The following is an entry in ClinVar:

NM_006031.6(PCNT):c.4167G>C (p.Leu1389=)

Gene: PCNT (pericentrin; plus strand). Cytogenetic location: 21q22.3.
Variant type: single nucleotide variant.
Coding change: c.4167G>C on transcript NM_006031.6 (MANE Select); coding-DNA position 4167, G replaced by C.
Protein change: p.Leu1389=; no amino-acid change (leucine 1389 retained).
Molecular consequence: synonymous variant.
Genome position (GRCh38, 1-based): chr21:46,391,327, G>C. VCF-style: chr21-46391327-G-C. GRCh37 (hg19) VCF-style: chr21-47811242-G-C.
Other names: c.3813G>C, p.Leu1271= (NM_001315529.2).
Identifiers: ClinVar variation 3030368 (VCV003030368.2), dbSNP rs866229136, ClinGen allele CA322031195.

ClinVar aggregate classification (germline): Likely benign (0 of 4 stars; one submission).

Conditions:
PCNT-related disorder. Also called: PCNT-related condition.

gnomAD v4.1: 4 of 1,559,482 alleles (0.00026%); highest among the groups gnomAD compares: Middle Eastern, 0.075%; no homozygotes.

Submission:

PreventionGenetics, part of Exact Sciences
Classification: Likely benign for PCNT-related condition. Last evaluated: 2021-08-23. Review status: no assertion criteria provided. Collection method: clinical testing. Allele origin: germline.
Comment: This variant is classified as likely benign based on ACMG/AMP sequence variant interpretation guidelines (Richards et al. 2015 PMID: 25741868, with internal and published modifications).